The following is an entry in ClinVar:

ClinVar aggregate classification (germline): Uncertain significance (1 of 4 stars; one submission).

Allele frequency attached by ClinVar (database versions not stated): gnomAD 0.00001; gnomAD exomes 0.00001; TOPMed 0.00001.
gnomAD v4.1: 4 of 1,612,534 alleles (0.00025%); highest among the groups gnomAD compares: Non-Finnish European, 0.00034%; no homozygotes.

Submission:

Labcorp Genetics (formerly Invitae), Labcorp
Classification: Uncertain significance. Last evaluated: 2022-05-19. Review status: criteria provided, single submitter. Criteria: Invitae Variant Classification Sherloc (09022015). Collection method: clinical testing. Allele origin: germline.
Comment: This sequence change replaces lysine, which is basic and polar, with glutamic acid, which is acidic and polar, at codon 3061 of the ASPM protein (p.Lys3061Glu). This variant is present in population databases (no rsID available, gnomAD 0.0009%). This variant has not been reported in the literature in individuals affected with ASPM-related conditions. Algorithms developed to predict the effect of missense changes on protein structure and function (SIFT, PolyPhen-2, Align-GVGD) all suggest that this variant is likely to be tolerated. In summary, the available evidence is currently insufficient to determine the role of this variant in disease. Therefore, it has been classified as a Variant of Uncertain Significance.

NM_018136.5(ASPM):c.9181A>G (p.Lys3061Glu)

Gene: ASPM (assembly factor for spindle microtubules; minus strand). Cytogenetic location: 1q31.3.
Variant type: single nucleotide variant.
Coding change: c.9181A>G on transcript NM_018136.5 (MANE Select); coding-DNA position 9181, A replaced by G.
Protein change: p.Lys3061Glu; replaces lysine 3061 with glutamic acid.
Molecular consequence: missense variant.
Genome position (GRCh38, 1-based): chr1:197,093,165, T>C on the plus strand (A>G on the coding strand, the complement: ASPM is on the minus strand). VCF-style: chr1-197093165-T-C. GRCh37 (hg19) VCF-style: chr1-197062295-T-C.
Other names: c.4426A>G, p.Lys1476Glu (NM_001206846.2); short protein forms K3061E, K1476E.
Identifiers: ClinVar variation 1996434 (VCV001996434.1), dbSNP rs1434499220, ClinGen allele CA344007206.